The following is an entry in ClinVar:

ClinVar aggregate classification (germline): Likely pathogenic (1 of 4 stars; one submission).

Conditions:
Lipid proteinosis. Also called: lipoid proteinosis; HYALINOSIS CUTIS ET MUCOSAE; Lipoid Proteinosis of Urbach and Wiethe; Urbach Wiethe disease. Identifiers: Orphanet 530, MedGen C0023795, MONDO:0009530, OMIM 247100.

gnomAD v4.1: 1 of 1,614,172 alleles (0.000062%); highest among the groups gnomAD compares: Non-Finnish European, 0.000085%; no homozygotes.

Submission:

First Genomix Gene Laboratory, Genetic Diagnostics Department
Classification: Likely pathogenic for Lipid proteinosis. Last evaluated: 2025-03-25. Review status: criteria provided, single submitter. Criteria: ACMG Guidelines, 2015. Collection method: clinical testing. Allele origin: germline. Inheritance: Autosomal recessive inheritance. Affected: no. Observed: 1 variant allele.

NM_004425.4(ECM1):c.1392+1G>A

Gene: ECM1 (extracellular matrix protein 1; plus strand). Cytogenetic location: 1q21.2.
Variant type: single nucleotide variant.
Coding change: c.1392+1G>A on transcript NM_004425.4 (MANE Select); the canonical splice donor site of the intron after coding-DNA position 1392, G replaced by A.
Molecular consequence: splice donor variant.
Genome position (GRCh38, 1-based): chr1:150,512,813, G>A. VCF-style: chr1-150512813-G-A. GRCh37 (hg19) VCF-style: chr1-150485289-G-A.
Other names: c.1017+1G>A (NM_022664.3); c.1473+1G>A (NM_001202858.2).
Identifiers: ClinVar variation 4845807 (VCV004845807.1).